The following is an entry in ClinVar:

NM_003172.4(SURF1):c.-2C>G

Gene: SURF1 (SURF1 cytochrome c oxidase assembly factor; minus strand). Cytogenetic location: 9q34.2.
Variant type: single nucleotide variant.
Coding change: c.-2C>G on transcript NM_003172.4 (MANE Select); 2 bases upstream of the start codon, C replaced by G.
Molecular consequence: 5 prime UTR variant.
Genome position (GRCh38, 1-based): chr9:133,356,455, G>C on the plus strand (C>G on the coding strand, the complement: SURF1 is on the minus strand). VCF-style: chr9-133356455-G-C. GRCh37 (hg19) VCF-style: chr9-136223331-G-C.
Other names: c.-277C>G (NM_001280787.1).
Identifiers: ClinVar variation 2663210 (VCV002663210.1), dbSNP rs782353523, ClinGen allele CA200834140.
Genomic context (GRCh38, chr9:133,356,455, plus strand): 5'-CTCACCCGTCCCAGCCCCGCCGCCCGCAGCCCCAGCTGCAACGCAGCCACCGCCGCCATC[G>C]CACCCGGCCCCGCGGGCGCTTCCGGGACGCAGGAAGCATCTGCATCCGGGGCGCCGCTGA-3'

ClinVar aggregate classification (germline): Uncertain significance (1 of 4 stars; one submission).

Allele frequency attached by ClinVar (database versions not stated): 1000 Genomes Project 30x 0.00016.
gnomAD v4.1: 22 of 1,420,488 alleles (0.0015%); highest among the groups gnomAD compares: African/African-American, 0.018%; no homozygotes.

Submission:

GeneDx
Classification: Uncertain significance. Last evaluated: 2023-04-14. Review status: criteria provided, single submitter. Criteria: GeneDx Variant Classification Process June 2021. Collection method: clinical testing. Allele origin: germline. Affected: yes.
Comment: Nucleotide substitution has no predicted effect on splicing and is not conserved across species; Has not been previously published as pathogenic or benign to our knowledge